The following is an entry in ClinVar:

ClinVar aggregate classification (germline): Conflicting classifications of pathogenicity. Review status: criteria provided, conflicting classifications (1 of 4 stars). 5 submissions from 5 submitters: Uncertain significance (1); Likely benign (1). 3 of the submissions do not count toward it. Last evaluated 2024-04-05.

Conditions:
Hereditary cancer-predisposing syndrome. Also called: Tumor predisposition; Hereditary neoplastic syndrome; Neoplastic Syndromes, Hereditary; Hereditary Cancer Syndrome. Identifiers: Orphanet 140162, MedGen C0027672, MeSH D009386, MONDO:0015356.

Allele frequency attached by ClinVar (database versions not stated): gnomAD exomes below 0.00001.
gnomAD v4.1: 1 of 1,614,044 alleles (0.000062%); highest among the groups gnomAD compares: Non-Finnish European, 0.000085%; no homozygotes.

Submissions (5):

Ambry Genetics
Classification: Uncertain significance for Hereditary cancer-predisposing syndrome. Last evaluated: 2024-04-05. Review status: criteria provided, single submitter. Criteria: Ambry Variant Classification Scheme 2023. Collection method: clinical testing. Allele origin: germline.
Comment: The p.T509A variant (also known as c.1525A>G), located in coding exon 9 of the BRCA1 gene, results from an A to G substitution at nucleotide position 1525. The threonine at codon 509 is replaced by alanine, an amino acid with similar properties. This amino acid position is not well conserved in available vertebrate species. In addition, the in silico prediction for this alteration is inconclusive. Based on the available evidence, the clinical significance of this variant remains unclear.

University of Washington Department of Laboratory Medicine, University of Washington
Classification: Likely benign for Hereditary cancer-predisposing syndrome. Last evaluated: 2023-03-23. Review status: criteria provided, single submitter. Criteria: Dines et al. (Genet Med. 2020). Collection method: curation. Allele origin: germline.
Comment: Missense variant in a coldspot region where missense variants are very unlikely to be pathogenic (PMID:31911673).

BRCA1 coldspot (exon 11 using historical exon numbering). Reclassification based on statistical prior probability

Clinical Genetics DNA and cytogenetics Diagnostics Lab, Erasmus MC, Erasmus Medical Center
Classification: Likely benign. Review status: no assertion criteria provided. Collection method: clinical testing. Allele origin: germline. Affected: yes. Study: VKGL Data-share Consensus. Not counted in ClinVar's aggregate classification.

Clinical Genetics Laboratory, Department of Pathology, Netherlands Cancer Institute
Classification: Likely benign. Review status: no assertion criteria provided. Collection method: clinical testing. Allele origin: germline. Affected: yes. Study: VKGL Data-share Consensus. Not counted in ClinVar's aggregate classification.

Genome Diagnostics Laboratory, University Medical Center Utrecht
Classification: Likely benign. Review status: no assertion criteria provided. Collection method: clinical testing. Allele origin: germline. Affected: yes. Study: VKGL Data-share Consensus. Not counted in ClinVar's aggregate classification.

NM_007294.4(BRCA1):c.1525A>G (p.Thr509Ala)

Gene: BRCA1 (BRCA1 DNA repair associated; minus strand). Cytogenetic location: 17q21.31.
Variant type: single nucleotide variant.
Coding change: c.1525A>G on transcript NM_007294.4 (MANE Select); coding-DNA position 1525, A replaced by G.
Protein change: p.Thr509Ala; replaces threonine 509 with alanine.
Molecular consequence: missense variant. On other transcripts: intron variant (137).
Genome position (GRCh38, 1-based): chr17:43,094,006, T>C on the plus strand (A>G on the coding strand, the complement: BRCA1 is on the minus strand). VCF-style: chr17-43094006-T-C. GRCh37 (hg19) VCF-style: chr17-41246023-T-C.
Other names: c.1312A>G, p.Thr438Ala (NM_001407894.1, NM_001407895.1, NM_001407896.1 and 9 more transcripts); c.1315A>G, p.Thr439Ala (NM_001407900.1, NM_001407902.1, NM_001407904.1 and 13 more transcripts); c.1402A>G, p.Thr468Ala (NM_001407919.1, NM_001407937.1, NM_001407938.1 and 19 more transcripts); c.1261A>G, p.Thr421Ala (NM_001407920.1, NM_001407921.1, NM_001407922.1 and 9 more transcripts); c.1258A>G, p.Thr420Ala (NM_001407930.1, NM_001407931.1, NM_001407932.1 and 2 more transcripts); c.1399A>G, p.Thr467Ala (NM_001407940.1, NM_001407941.1, NM_001407649.1 and 11 more transcripts); c.1384A>G, p.Thr462Ala (NM_001407942.1, NM_001407944.1, NM_001407945.1 and 29 more transcripts); c.1381A>G, p.Thr461Ala (NM_001407943.1, NM_001407964.1, NM_001407740.1 and 20 more transcripts); and 40 more; short protein forms T462A, T509A, T341A, T381A, T398A, T421A, T461A, T468A.
Identifiers: ClinVar variation 1275855 (VCV001275855.6), dbSNP rs1238203770, ClinGen allele CA10598997.